The following is an entry in ClinVar:

ClinVar aggregate classification (germline): Uncertain significance (1 of 4 stars; one submission).

Conditions:
Primary ciliary dyskinesia. Also called: Ciliary dyskinesia. Identifiers: Orphanet 244, MedGen C0008780, MONDO:0016575, HP:0012265.

Allele frequency attached by ClinVar (database versions not stated): gnomAD exomes below 0.00001.
gnomAD v4.1: 4 of 1,208,189 alleles (0.00033%); highest among the groups gnomAD compares: East Asian, 0.003%; no homozygotes.

Submission:

Labcorp Genetics (formerly Invitae), Labcorp
Classification: Uncertain significance for Primary ciliary dyskinesia. Last evaluated: 2023-09-14. Review status: criteria provided, single submitter. Criteria: Invitae Variant Classification Sherloc (09022015). Collection method: clinical testing. Allele origin: germline.
Comment: This variant has not been reported in the literature in individuals affected with RPGR (ORF15)-related conditions. In summary, the available evidence is currently insufficient to determine the role of this variant in disease. Therefore, it has been classified as a Variant of Uncertain Significance. Advanced modeling of protein sequence and biophysical properties (such as structural, functional, and spatial information, amino acid conservation, physicochemical variation, residue mobility, and thermodynamic stability) performed at Invitae indicates that this missense variant is not expected to disrupt RPGR (ORF15) protein function. The frequency data for this variant in the population databases is considered unreliable, as metrics indicate poor data quality at this position in the gnomAD database. This sequence change replaces glutamic acid, which is acidic and polar, with aspartic acid, which is acidic and polar, at codon 698 of the RPGR (ORF15) protein (p.Glu698Asp).

NM_001034853.2(RPGR):c.2094G>T (p.Glu698Asp)

Gene: RPGR (retinitis pigmentosa GTPase regulator; minus strand). Cytogenetic location: Xp11.4.
Variant type: single nucleotide variant.
Coding change: c.2094G>T on transcript NM_001034853.2 (MANE Select); coding-DNA position 2094, G replaced by T.
Protein change: p.Glu698Asp; replaces glutamic acid 698 with aspartic acid.
Molecular consequence: missense variant. On other transcripts: intron variant (8).
Genome position (GRCh38, 1-based): chrX:38,286,905, C>A on the plus strand (G>T on the coding strand, the complement: RPGR is on the minus strand). VCF-style: chrX-38286905-C-A. GRCh37 (hg19) VCF-style: chrX-38146158-C-A.
Other names: c.1569+4054G>T (NM_001367249.1, NM_001367250.1); c.1902+189G>T (NM_001367245.1); c.1386+4054G>T (NM_001367251.1); c.1719+189G>T (NM_001367246.1); c.1572+4054G>T (NM_001367247.1); c.1905+189G>T (NM_000328.3); c.1602+4054G>T (NM_001367248.1); short protein forms E698D.
Identifiers: ClinVar variation 2955071 (VCV002955071.3), dbSNP rs377524122, ClinGen allele CA327916342.
Genomic context (GRCh38, chrX:38,286,905, plus strand): 5'-GCCCTGCTCCCTCTCCTTTTGCTCCTGCTCTTCCCCATCCCTCTTCTTCCATTCTTCCTT[C>A]TCTGCTAGTTCCTTCTCTCCCTCTCCTGGCCTCTCCATTTCTCCTCTACCCTTGTCTTTC-3'
Protein context (NP_001030025.1, residues 688-708): RPGEGEKELA[Glu698Asp]KEEWKKRDGE